The following is an entry in ClinVar:

NM_005343.4(HRAS):c.451-5C>G

Genes: HRAS (HRas proto-oncogene, GTPase; minus strand), LRRC56 (leucine rich repeat containing 56; plus strand). Cytogenetic location: 11p15.5.
Variant type: single nucleotide variant.
Coding change: c.451-5C>G on transcript NM_005343.4 (MANE Select); 5 bases into the intron before coding-DNA position 451, C replaced by G.
Molecular consequence: intron variant.
Genome position (GRCh38, 1-based): chr11:532,760, G>C on the plus strand (C>G on the coding strand, the complement: HRAS is on the minus strand). VCF-style: chr11-532760-G-C. GRCh37 (hg19) VCF-style: chr11-532760-G-C.
Other names: c.451-5C>G (NM_001130442.3); c.214-5C>G (NM_001318054.2); c.*20-5C>G (NM_176795.5).
Identifiers: ClinVar variation 415886 (VCV000415886.12), dbSNP rs370181298, ClinGen allele CA5779227.

ClinVar aggregate classification (germline): Conflicting classifications of pathogenicity. Review status: criteria provided, conflicting classifications (1 of 4 stars). 2 submissions from 2 submitters: Uncertain significance (1); Likely benign (1). Last evaluated 2025-11-05.

Conditions:
Costello syndrome (CSTLO). Also called: HRAS-Related Costello Syndrome; FCS SYNDROME; FACIOCUTANEOSKELETAL SYNDROME. Identifiers: Orphanet 3071, MedGen C0587248, MONDO:0009026, OMIM 218040.

Allele frequency attached by ClinVar (database versions not stated): TOPMed 0.00002.
gnomAD v4.1: 21 of 1,612,184 alleles (0.0013%); highest among the groups gnomAD compares: Non-Finnish European, 0.0017%; no homozygotes.

Submissions (2):

Labcorp Genetics (formerly Invitae), Labcorp
Classification: Likely benign for Costello syndrome. Last evaluated: 2025-11-05. Review status: criteria provided, single submitter. Criteria: Invitae Variant Classification Sherloc (09022015). Collection method: clinical testing. Allele origin: germline.

GeneDx
Classification: Uncertain significance. Last evaluated: 2018-05-14. Review status: criteria provided, single submitter. Criteria: GeneDx Variant Classification (06012015). Collection method: clinical testing. Allele origin: germline. Affected: yes.
Comment: The c.451-5 C>G variant has not been published as pathogenic or been reported as benign to our knowledge. However, this variant has been reported in ClinVar as a likely benign variant by an outside laboratory (SCV000560905.2; Landrum et al., 2016). The c.451-5 C>G variant is not observed at a significant frequency in large population cohorts (Lek et al., 2016). Nevertheless, in silico splice prediction programs are inconclusive as to whether this variant has an impact on normal gene splicing. Lastly, splice site variants have not been reported in the Human Gene Mutation Database in association with Costello syndrome (Stenson et al., 2014). However, in the absence of functional mRNA studies, the physiological consequence of this variant cannot be precisely determined.